The following is an entry in ClinVar:

ClinVar aggregate classification (germline): Pathogenic/Likely pathogenic. Review status: criteria provided, multiple submitters, no conflicts (2 of 4 stars). 4 submissions from 4 submitters: Pathogenic (1); Likely pathogenic (3). Last evaluated 2025-08-29.

Conditions:
Autosomal dominant Alport syndrome (ATS3A). Also called: Alport syndrome dominant type; Renal failure and sensorineural hearing loss; ALPORT SYNDROME 3A, AUTOSOMAL DOMINANT. Identifiers: Orphanet 63, Orphanet 88918, MedGen C5882663, MONDO:0007086, OMIM 104200.
Alport syndrome 3b, autosomal recessive. Identifiers: MedGen C5882699, MONDO:0957811, OMIM 620536.
Hematuria, benign familial, 2 (BFH2). Identifiers: MedGen C5830421, MONDO:0958186, OMIM 620320.
COL4A3-related disorder. Also called: COL4A3-Related Disorders; COL4A3-related condition.
Alport syndrome. Also called: Hemorrhagic familial nephritis; Hemorrhagic hereditary nephritis; Congenital hereditary hematuria. Identifiers: Orphanet 63, MedGen C1567741, MONDO:0018965.

Allele frequency attached by ClinVar (database versions not stated): gnomAD exomes below 0.00001.
gnomAD v4.1: 1 of 1,609,470 alleles (0.000062%); highest among the groups gnomAD compares: Non-Finnish European, 0.000085%; no homozygotes.

Submissions (4):

Natera, Inc.
Classification: Likely pathogenic for Alport syndrome. Last evaluated: 2025-08-29. Review status: criteria provided, single submitter. Criteria: Natera Variant Classification Schema (03/2026). Collection method: clinical testing. Allele origin: germline.
Comment: The c.2189G>A variant in COL4A3 is a missense variant predicted to cause substitution of glycine to glutamic acid at amino acid 730. This variant is rare in the general population with a frequency below the threshold expected for the associated phenotype(s). This variant is located in a functionally critical region of the protein. Computational prediction algorithms indicate this variant is likely to affect gene or protein function. Given the available evidence, this variant is classified as Likely Pathogenic.

Blueprint Genetics
Classification: Likely pathogenic for COL4A3-related disorders. Last evaluated: 2024-10-28. Review status: criteria provided, single submitter. Criteria: ACMG Guidelines, 2015. Collection method: clinical testing. Allele origin: germline. Affected: yes. Observed: 3 variant alleles.

Fulgent Genetics
Classification: Likely pathogenic for Autosomal dominant Alport syndrome; Hematuria, benign familial, 2; Alport syndrome 3b, autosomal recessive. Last evaluated: 2024-05-03. Review status: criteria provided, single submitter. Criteria: ACMG Guidelines, 2015. Collection method: clinical testing. Allele origin: germline.

Labcorp Genetics (formerly Invitae), Labcorp
Classification: Pathogenic. Last evaluated: 2022-02-03. Review status: criteria provided, single submitter. Criteria: Invitae Variant Classification Sherloc (09022015). Collection method: clinical testing. Allele origin: germline.
Comment: This sequence change replaces glycine, which is neutral and non-polar, with glutamic acid, which is acidic and polar, at codon 730 of the COL4A3 protein (p.Gly730Glu). For these reasons, this variant has been classified as Pathogenic. Advanced modeling of protein sequence and biophysical properties (such as structural, functional, and spatial information, amino acid conservation, physicochemical variation, residue mobility, and thermodynamic stability) performed at Invitae indicates that this missense variant is expected to disrupt COL4A3 protein function. ClinVar contains an entry for this variant (Variation ID: 849784). This missense change has been observed in individual(s) with clinical features of Alport syndrome (Invitae). In at least one individual the data is consistent with being in trans (on the opposite chromosome) from a pathogenic variant. This variant is not present in population databases (gnomAD no frequency).

NM_000091.5(COL4A3):c.2189G>A (p.Gly730Glu)

Genes: COL4A3 (collagen type IV alpha 3 chain; plus strand), MFF-DT (MFF divergent transcript; minus strand). Cytogenetic location: 2q36.3.
Variant type: single nucleotide variant.
Coding change: c.2189G>A on transcript NM_000091.5 (MANE Select); coding-DNA position 2189, G replaced by A.
Protein change: p.Gly730Glu; replaces glycine 730 with glutamic acid.
Molecular consequence: missense variant.
Genome position (GRCh38, 1-based): chr2:227,279,856, G>A. VCF-style: chr2-227279856-G-A. GRCh37 (hg19) VCF-style: chr2-228144572-G-A.
Other names: short protein forms G730E.
Identifiers: ClinVar variation 849784 (VCV000849784.14), dbSNP rs2071838155, ClinGen allele CA350847793.